The following is an entry in ClinVar:

NM_001903.5(CTNNA1):c.1894A>T (p.Ile632Leu)

Gene: CTNNA1 (catenin alpha 1; plus strand). Cytogenetic location: 5q31.2.
Variant type: single nucleotide variant.
Coding change: c.1894A>T on transcript NM_001903.5 (MANE Select); coding-DNA position 1894, A replaced by T.
Protein change: p.Ile632Leu; replaces isoleucine 632 with leucine.
Molecular consequence: missense variant.
Genome position (GRCh38, 1-based): chr5:138,925,402, A>T. VCF-style: chr5-138925402-A-T. GRCh37 (hg19) VCF-style: chr5-138261091-A-T.
Other names: c.784A>T, p.Ile262Leu (NM_001324005.1, NM_001323993.1, NM_001323994.1 and 17 more transcripts); c.445A>T, p.Ile149Leu (NM_001324006.1, NM_001324007.1, NM_001324008.1 and 2 more transcripts); c.691A>T, p.Ile231Leu (NM_001324011.1); c.541A>T, p.Ile181Leu (NM_001324012.1, NM_001324013.1); c.1894A>T, p.Ile632Leu (NM_001290307.3, NM_001323982.2, NM_001323983.1 and 2 more transcripts); c.1585A>T, p.Ile529Leu (NM_001290309.3); c.1525A>T, p.Ile509Leu (NM_001290310.3); c.1801A>T, p.Ile601Leu (NM_001323986.2); short protein forms I231L, I262L, I509L, I149L, I529L, I601L, I632L, I181L.
Identifiers: ClinVar variation 4007994 (VCV004007994.1).

ClinVar aggregate classification (germline): Uncertain significance (1 of 4 stars; one submission).

Conditions:
Hereditary cancer-predisposing syndrome. Also called: Tumor predisposition; Hereditary neoplastic syndrome; Neoplastic Syndromes, Hereditary; Hereditary Cancer Syndrome. Identifiers: Orphanet 140162, MedGen C0027672, MeSH D009386, MONDO:0015356.

Submission:

Ambry Genetics
Classification: Uncertain significance for Hereditary cancer-predisposing syndrome. Last evaluated: 2025-05-23. Review status: criteria provided, single submitter. Criteria: Ambry Variant Classification Scheme 2023. Collection method: clinical testing. Allele origin: germline.
Comment: The p.I632L variant (also known as c.1894A>T), located in coding exon 12 of the CTNNA1 gene, results from an A to T substitution at nucleotide position 1894. The isoleucine at codon 632 is replaced by leucine, an amino acid with highly similar properties. This amino acid position is conserved. In addition, this alteration is predicted to be tolerated by in silico analysis. Based on the available evidence, the clinical significance of this variant remains unclear.